The following is an entry in ClinVar:

ClinVar aggregate classification (germline): Uncertain significance. Review status: criteria provided, multiple submitters, no conflicts (2 of 4 stars). 2 submissions from 2 submitters: Uncertain significance (2). Last evaluated 2025-06-11.

Allele frequency attached by ClinVar (database versions not stated): gnomAD exomes 0.00001; ESP Exome Variant Server 0.00008.
gnomAD v4.1: 8 of 1,613,936 alleles (0.0005%); highest among the groups gnomAD compares: Non-Finnish European, 0.00068%; no homozygotes.

Submissions (2):

GeneDx
Classification: Uncertain significance. Last evaluated: 2025-06-11. Review status: criteria provided, single submitter. Criteria: GeneDx Variant Classification Process June 2021. Collection method: clinical testing. Allele origin: germline. Affected: yes.
Comment: Not observed at significant frequency in large population cohorts (gnomAD); In silico analysis suggests that this missense variant does not alter protein structure/function; Has not been previously published as pathogenic or benign to our knowledge

Labcorp Genetics (formerly Invitae), Labcorp
Classification: Uncertain significance. Last evaluated: 2023-10-03. Review status: criteria provided, single submitter. Criteria: Invitae Variant Classification Sherloc (09022015). Collection method: clinical testing. Allele origin: germline.
Comment: This sequence change replaces serine, which is neutral and polar, with arginine, which is basic and polar, at codon 39 of the NTRK2 protein (p.Ser39Arg). This variant is not present in population databases (gnomAD no frequency). This variant has not been reported in the literature in individuals affected with NTRK2-related conditions. ClinVar contains an entry for this variant (Variation ID: 2012883). An algorithm developed to predict the effect of missense changes on protein structure and function (PolyPhen-2) suggests that this variant is likely to be tolerated. In summary, the available evidence is currently insufficient to determine the role of this variant in disease. Therefore, it has been classified as a Variant of Uncertain Significance.

NM_006180.6(NTRK2):c.115A>C (p.Ser39Arg)

Gene: NTRK2 (neurotrophic receptor tyrosine kinase 2; plus strand). Cytogenetic location: 9q21.33.
Variant type: single nucleotide variant.
Coding change: c.115A>C on transcript NM_006180.6 (MANE Select); coding-DNA position 115, A replaced by C.
Protein change: p.Ser39Arg; replaces serine 39 with arginine.
Molecular consequence: missense variant.
Genome position (GRCh38, 1-based): chr9:84,670,863, A>C. VCF-style: chr9-84670863-A-C. GRCh37 (hg19) VCF-style: chr9-87285778-A-C.
Other names: c.115A>C, p.Ser39Arg (NM_001018065.2, NM_001018066.3, NM_001291937.2 and 19 more transcripts); c.115A>C (NM_006180.3); short protein forms S39R.
Identifiers: ClinVar variation 2012883 (VCV002012883.5), dbSNP rs147067960, ClinGen allele CA195738460.
Genomic context (GRCh38, chr9:84,670,863, plus strand): 5'-TGCTGGCTGGTTGTGGGCTTCTGGAGGGCCGCTTTCGCCTGTCCCACGTCCTGCAAATGC[A>C]GTGCCTCTCGGATCTGGTGCAGCGACCCTTCTCCTGGCATCGTGGCATTTCCGAGATTGG-3'
Protein context (NP_006171.2, residues 29-49): AFACPTSCKC[Ser39Arg]ASRIWCSDPS